The following is an entry in ClinVar:

ClinVar aggregate classification (germline): Uncertain significance (1 of 4 stars; one submission).

Submission:

Mayo Clinic Laboratories, Mayo Clinic
Classification: Uncertain significance. Last evaluated: 2022-03-30. Review status: criteria provided, single submitter. Criteria: ACMG Guidelines, 2015. Collection method: clinical testing. Allele origin: germline. Observed: 1 variant allele.
Comment: PM2

NM_000492.4(CFTR):c.2988+4T>A

Genes: CFTR (CF transmembrane conductance regulator; plus strand), CFTR-AS2 (CFTR antisense RNA 2; minus strand). Cytogenetic location: 7q31.2.
Variant type: single nucleotide variant.
Coding change: c.2988+4T>A on transcript NM_000492.4 (MANE Select); 4 bases into the intron after coding-DNA position 2988, T replaced by A.
Molecular consequence: intron variant.
Genome position (GRCh38, 1-based): chr7:117,606,757, T>A. VCF-style: chr7-117606757-T-A. GRCh37 (hg19) VCF-style: chr7-117246811-T-A.
Identifiers: ClinVar variation 2682996 (VCV002682996.1), dbSNP rs2485125471, ClinGen allele CA2697557584.